The following is an entry in ClinVar:

NM_001008212.2(OPTN):c.1489G>A (p.Ala497Thr)

Gene: OPTN (optineurin; plus strand). Cytogenetic location: 10p13.
Variant type: single nucleotide variant.
Coding change: c.1489G>A on transcript NM_001008212.2 (MANE Select); coding-DNA position 1489, G replaced by A.
Protein change: p.Ala497Thr; replaces alanine 497 with threonine.
Molecular consequence: missense variant.
Genome position (GRCh38, 1-based): chr10:13,132,154, G>A. VCF-style: chr10-13132154-G-A. GRCh37 (hg19) VCF-style: chr10-13174154-G-A.
Other names: c.1489G>A, p.Ala497Thr (NM_001008211.1, NM_001008213.1, NM_021980.4); short protein forms A497T.
Identifiers: ClinVar variation 2582105 (VCV002582105.1), dbSNP rs746494028, ClinGen allele CA5410976.

ClinVar aggregate classification (germline): Uncertain significance (1 of 4 stars; one submission).

Allele frequency attached by ClinVar (database versions not stated): TOPMed below 0.00001; ExAC 0.00001; gnomAD 0.00001.
gnomAD v4.1: 5 of 1,613,502 alleles (0.00031%); highest among the groups gnomAD compares: South Asian, 0.0011%; no homozygotes.

Submission:

GeneDx
Classification: Uncertain significance. Last evaluated: 2023-03-28. Review status: criteria provided, single submitter. Criteria: GeneDx Variant Classification Process June 2021. Collection method: clinical testing. Allele origin: germline. Affected: yes.
Comment: Not observed at significant frequency in large population cohorts (gnomAD); In silico analysis supports that this missense variant does not alter protein structure/function; Has not been previously published as pathogenic or benign to our knowledge